The following is an entry in ClinVar:

ClinVar aggregate classification (germline): Uncertain significance (1 of 4 stars; one submission).

Allele frequency attached by ClinVar (database versions not stated): gnomAD exomes below 0.00001 and 0.00001; TOPMed 0.00002.
gnomAD v4.1: 3 of 1,611,184 alleles (0.00019%); highest among the groups gnomAD compares: Admixed American, 0.0033%; no homozygotes.

Submission:

Labcorp Genetics (formerly Invitae), Labcorp
Classification: Uncertain significance. Last evaluated: 2021-08-22. Review status: criteria provided, single submitter. Criteria: Invitae Variant Classification Sherloc (09022015). Collection method: clinical testing. Allele origin: germline.
Comment: This sequence change replaces glycine with valine at codon 33 of the LTBP2 protein (p.Gly33Val). The glycine residue is highly conserved and there is a moderate physicochemical difference between glycine and valine. This variant is not present in population databases (ExAC no frequency). This variant has not been reported in the literature in individuals affected with LTBP2-related conditions. Algorithms developed to predict the effect of missense changes on protein structure and function are either unavailable or do not agree on the potential impact of this missense change (SIFT: "Deleterious"; PolyPhen-2: "Possibly Damaging"; Align-GVGD: "Class C15"). In summary, the available evidence is currently insufficient to determine the role of this variant in disease. Therefore, it has been classified as a Variant of Uncertain Significance.

NM_000428.3(LTBP2):c.98G>T (p.Gly33Val)

Gene: LTBP2 (latent transforming growth factor beta binding protein 2; minus strand). Cytogenetic location: 14q24.3.
Variant type: single nucleotide variant.
Coding change: c.98G>T on transcript NM_000428.3 (MANE Select); coding-DNA position 98, G replaced by T.
Protein change: p.Gly33Val; replaces glycine 33 with valine.
Molecular consequence: missense variant.
Genome position (GRCh38, 1-based): chr14:74,611,847, C>A on the plus strand (G>T on the coding strand, the complement: LTBP2 is on the minus strand). VCF-style: chr14-74611847-C-A. GRCh37 (hg19) VCF-style: chr14-75078550-C-A.
Other names: short protein forms G33V.
Identifiers: ClinVar variation 1377253 (VCV001377253.6), dbSNP rs985209487, ClinGen allele CA263602134.
Genomic context (GRCh38, chr14:74,611,847, plus strand): 5'-AGTCGATTCGCGTCTCCACCAGCCGGCTCGTATCTCCCTACGGGGTCCCTTTGGGCATGA[C>A]CCGCGCCCACGAAGAGAGCCAGGGTGAGCGGCAGGAAGCCTCTCCAGGGGTTCCGCAGGG-3'
Protein context (NP_000419.1, residues 23-43): PLTLALFVGA[Gly33Val]HAQRDPVGRY